The following is an entry in ClinVar:

ClinVar aggregate classification (germline): Uncertain significance (1 of 4 stars; one submission).

Submission:

GeneDx
Classification: Uncertain significance. Last evaluated: 2022-05-03. Review status: criteria provided, single submitter. Criteria: GeneDx Variant Classification Process June 2021. Collection method: clinical testing. Allele origin: germline. Affected: yes.
Comment: Not observed at significant frequency in large population cohorts (gnomAD); In silico analysis supports a deleterious effect on splicing; Has not been previously published as pathogenic or benign to our knowledge

NM_001102401.4(TTI2):c.1259+2dup

Gene: TTI2 (TELO2 interacting protein 2; minus strand). Cytogenetic location: 8p12.
Variant type: Duplication.
Coding change: c.1259+2dup on transcript NM_001102401.4 (MANE Select); the canonical splice donor site of the intron after coding-DNA position 1259, one base duplicated (T; older notation c.1259+2dupT).
Molecular consequence: splice donor variant.
Genome position (GRCh38, 1-based): chr8:33,503,427, A duplicated on the plus strand (T on the coding strand, the reverse complement: TTI2 is on the minus strand). VCF-style (leftmost placement, unchanged base first): chr8-33503426-T-TA. GRCh37 (hg19) VCF-style: chr8-33360944-T-TA.
Other names: c.1166+2dup (NM_001330505.3); c.1259+2dup (NM_001265581.2, NM_025115.5).
Identifiers: ClinVar variation 1722857 (VCV001722857.2), dbSNP rs2487355135, ClinGen allele CA2580078197.
Genomic context (GRCh38, chr8:33,503,426, plus strand): 5'-ATACATCCAAGCAAGTTCTCAAGAGAAAATCGGCTGAGTTTTGCACCTTAAGGCTGCTAT[T>TA]ACCTGGGCCAAGTATGTTGCATGAGAAGTTTTAGGGTTTCCAATATCTTCAGTCTAGCTT-3'